The following is an entry in ClinVar:

ClinVar aggregate classification (germline): Uncertain significance (1 of 4 stars; one submission).

Conditions:
DICER1-related tumor predisposition. Also called: DICER1-related pleuropulmonary blastoma cancer predisposition syndrome; DICER1 syndrome. Identifiers: Orphanet 284343, MedGen C3839822, MONDO:0100216.

Submission:

Labcorp Genetics (formerly Invitae), Labcorp
Classification: Uncertain significance for DICER1-related tumor predisposition. Last evaluated: 2022-09-30. Review status: criteria provided, single submitter. Criteria: Invitae Variant Classification Sherloc (09022015). Collection method: clinical testing. Allele origin: germline.
Comment: In summary, the available evidence is currently insufficient to determine the role of this variant in disease. Therefore, it has been classified as a Variant of Uncertain Significance. Variants that disrupt the consensus splice site are a relatively common cause of aberrant splicing (PMID: 17576681, 9536098). Algorithms developed to predict the effect of sequence changes on RNA splicing suggest that this variant may disrupt the consensus splice site. This variant has not been reported in the literature in individuals affected with DICER1-related conditions. This variant is not present in population databases (gnomAD no frequency). This sequence change falls in intron 23 of the DICER1 gene. It does not directly change the encoded amino acid sequence of the DICER1 protein. It affects a nucleotide within the consensus splice site.

Literature cited by the submitters: PubMed 17576681; PubMed 9536098.

NM_177438.3(DICER1):c.5095+5G>T

Gene: DICER1 (dicer 1, ribonuclease III; minus strand). Cytogenetic location: 14q32.13.
Variant type: single nucleotide variant.
Coding change: c.5095+5G>T on transcript NM_177438.3 (MANE Select); 5 bases into the intron after coding-DNA position 5095, G replaced by T.
Molecular consequence: intron variant. On other transcripts: missense variant (5).
Genome position (GRCh38, 1-based): chr14:95,095,820, C>A on the plus strand (G>T on the coding strand, the complement: DICER1 is on the minus strand). VCF-style: chr14-95095820-C-A. GRCh37 (hg19) VCF-style: chr14-95562157-C-A.
Other names: c.5100G>T, p.Lys1700Asn (NM_001395692.1, NM_001395693.1, NM_001395694.1 and 1 more transcripts); c.4695G>T, p.Lys1565Asn (NM_001395696.1); c.5095+5G>T (NM_001291628.2, NM_030621.4, NM_001395677.1 and 8 more transcripts); c.4690+5G>T (NM_001395690.1, NM_001395687.1, NM_001395689.1 and 1 more transcripts); c.4813+5G>T (NM_001395686.1); c.4528+5G>T (NM_001395691.1); c.3412+5G>T (NM_001395697.1); short protein forms K1700N, K1565N.
Identifiers: ClinVar variation 2033433 (VCV002033433.4), dbSNP rs2542474926, ClinGen allele CA2580088942.